The following is an entry in ClinVar:

NM_001270.4(CHD1):c.4880C>T (p.Ser1627Phe)

Gene: CHD1 (chromodomain helicase DNA binding protein 1; minus strand). Cytogenetic location: 5q15.
Variant type: single nucleotide variant.
Coding change: c.4880C>T on transcript NM_001270.4 (MANE Select); coding-DNA position 4880, C replaced by T.
Protein change: p.Ser1627Phe; replaces serine 1627 with phenylalanine.
Molecular consequence: missense variant. On other transcripts: non-coding transcript variant (2).
Genome position (GRCh38, 1-based): chr5:98,856,633, G>A on the plus strand (C>T on the coding strand, the complement: CHD1 is on the minus strand). VCF-style: chr5-98856633-G-A. GRCh37 (hg19) VCF-style: chr5-98192337-G-A.
Other names: c.5144C>T, p.Ser1715Phe (NM_001364113.3); c.4880C>T, p.Ser1627Phe (NM_001376194.2); short protein forms S1627F, S1715F.
Identifiers: ClinVar variation 1704678 (VCV001704678.2), dbSNP rs1748055031, ClinGen allele CA360515218.

ClinVar aggregate classification (germline): Uncertain significance (1 of 4 stars; one submission).

Allele frequency attached by ClinVar (database versions not stated): TOPMed below 0.00001.

Submission:

GeneDx
Classification: Uncertain significance. Last evaluated: 2022-03-08. Review status: criteria provided, single submitter. Criteria: GeneDx Variant Classification Process June 2021. Collection method: clinical testing. Allele origin: germline. Affected: yes.
Comment: Has not been previously published as pathogenic or benign to our knowledge; Not observed at significant frequency in large population cohorts (gnomAD); In silico analysis supports that this missense variant does not alter protein structure/function